The following is an entry in ClinVar:

ClinVar aggregate classification (germline): Pathogenic (1 of 4 stars; one submission).

Submission:

Labcorp Genetics (formerly Invitae), Labcorp
Classification: Pathogenic. Last evaluated: 2025-08-18. Review status: criteria provided, single submitter. Criteria: Invitae Variant Classification Sherloc (09022015). Collection method: clinical testing. Allele origin: germline.
Comment: This sequence change creates a premature translational stop signal (p.Asn239*) in the COQ9 gene. It is expected to result in an absent or disrupted protein product. Loss-of-function variants in COQ9 are known to be pathogenic (PMID: 19375058, 26081641). This variant is present in population databases (no rsID available, gnomAD 0.0009%). This variant has not been reported in the literature in individuals affected with COQ9-related conditions. Algorithms developed to predict the effect of sequence changes on RNA splicing suggest that this variant may disrupt the consensus splice site. For these reasons, this variant has been classified as Pathogenic.

Literature cited by the submitters: PubMed 19375058; PubMed 26081641.

NM_020312.4(COQ9):c.714dup (p.Asn239Ter)

Gene: COQ9 (coenzyme Q9; plus strand). Cytogenetic location: 16q21.
Variant type: Duplication.
Coding change: c.714dup on transcript NM_020312.4 (MANE Select); coding-DNA position 714, one base duplicated (T; older notation c.714dupT).
Protein change: p.Asn239Ter; replaces asparagine 239 with a stop codon.
Molecular consequence: nonsense.
Genome position (GRCh38, 1-based): chr16:57,459,567, T duplicated; the last of 3 consecutive T bases (chr16:57,459,565-57,459,567); duplicating any one gives the same sequence. VCF-style (leftmost placement, unchanged base first): chr16-57459564-G-GT. GRCh37 (hg19) VCF-style: chr16-57493476-G-GT.
Other names: short protein forms N239*.
Identifiers: ClinVar variation 4780104 (VCV004780104.1).
Genomic context (GRCh38, chr16:57,459,564, plus strand): 5'-TTGGGTAGGAACTGCCTCAGACTTGCACCAGCCCACAGCGGTAGTGTGGGTTTCTTTACA[G>GT]TTTAACTGGTACACCCGCCGAGCCATGCTGGCTGCCATCTACAACACAACAGAGCTGGTG-3'